The following is an entry in ClinVar:

ClinVar aggregate classification (germline): Uncertain significance. Review status: criteria provided, multiple submitters, no conflicts (2 of 4 stars). 2 submissions from 2 submitters: Uncertain significance (2). Last evaluated 2024-12-16.

Conditions:
Autosomal recessive severe congenital neutropenia due to G6PC3 deficiency. Also called: NEUTROPENIA, SEVERE CONGENITAL, 4, AUTOSOMAL RECESSIVE; G6PC3 Deficiency. Identifiers: Orphanet 331176, MedGen C2751630, MONDO:0012930, OMIM 612541.
Inborn genetic diseases. Identifiers: MedGen C0950123, MeSH D030342.

Allele frequency attached by ClinVar (database versions not stated): gnomAD 0.00001.
gnomAD v4.1: 5 of 1,613,592 alleles (0.00031%); highest among the groups gnomAD compares: Admixed American, 0.0083%; no homozygotes.

Submissions (2):

Ambry Genetics
Classification: Uncertain significance for Inborn genetic diseases. Last evaluated: 2024-12-16. Review status: criteria provided, single submitter. Criteria: Ambry Variant Classification Scheme 2023. Collection method: clinical testing. Allele origin: germline.
Comment: The p.Y42N variant (also known as c.124T>A), located in coding exon 1 of the G6PC3 gene, results from a T to A substitution at nucleotide position 124. The tyrosine at codon 42 is replaced by asparagine, an amino acid with dissimilar properties. This amino acid position is conserved. In addition, the in silico prediction for this alteration is inconclusive. Based on the available evidence, the clinical significance of this variant remains unclear.

Labcorp Genetics (formerly Invitae), Labcorp
Classification: Uncertain significance for Autosomal recessive severe congenital neutropenia due to G6PC3 deficiency. Last evaluated: 2022-07-01. Review status: criteria provided, single submitter. Criteria: Invitae Variant Classification Sherloc (09022015). Collection method: clinical testing. Allele origin: germline.
Comment: In summary, the available evidence is currently insufficient to determine the role of this variant in disease. Therefore, it has been classified as a Variant of Uncertain Significance. Algorithms developed to predict the effect of missense changes on protein structure and function are either unavailable or do not agree on the potential impact of this missense change (SIFT: "Tolerated"; PolyPhen-2: "Possibly Damaging"; Align-GVGD: "Class C0"). This variant has not been reported in the literature in individuals affected with G6PC3-related conditions. This variant is present in population databases (rs780890221, gnomAD 0.02%). This sequence change replaces tyrosine, which is neutral and polar, with asparagine, which is neutral and polar, at codon 42 of the G6PC3 protein (p.Tyr42Asn).

NM_138387.4(G6PC3):c.124T>A (p.Tyr42Asn)

Genes: G6PC3 (glucose-6-phosphatase catalytic subunit 3; plus strand), LOC130060959 (ATAC-STARR-seq lymphoblastoid active region 12250; plus strand). Cytogenetic location: 17q21.31.
Variant type: single nucleotide variant.
Coding change: c.124T>A on transcript NM_138387.4 (MANE Select); coding-DNA position 124, T replaced by A.
Protein change: p.Tyr42Asn; replaces tyrosine 42 with asparagine.
Molecular consequence: missense variant. On other transcripts: intron variant (1), 5 prime UTR variant (3).
Genome position (GRCh38, 1-based): chr17:44,071,089, T>A. VCF-style: chr17-44071089-T-A. GRCh37 (hg19) VCF-style: chr17-42148457-T-A.
Other names: c.-312+375T>A (NM_001384168.1); c.124T>A, p.Tyr42Asn (NM_001319945.2); c.-281T>A (NM_001384165.1); c.-416T>A (NM_001384166.1); c.-406T>A (NM_001384167.1); short protein forms Y42N.
Identifiers: ClinVar variation 2161829 (VCV002161829.5), dbSNP rs780890221, ClinGen allele CA8595885.